The following is an entry in ClinVar:

NM_000516.7(GNAS):c.747C>T (p.Ala249=)

Gene: GNAS (GNAS complex locus; plus strand). Cytogenetic location: 20q13.32.
Variant type: single nucleotide variant.
Coding change: c.747C>T on transcript NM_000516.7 (MANE Select); coding-DNA position 747, C replaced by T.
Protein change: p.Ala249=; no amino-acid change (alanine 249 retained).
Molecular consequence: synonymous variant. On other transcripts: 3 prime UTR variant (2).
Genome position (GRCh38, 1-based): chr20:58,909,712, C>T. VCF-style: chr20-58909712-C-T. GRCh37 (hg19) VCF-style: chr20-57484767-C-T.
Other names: c.750C>T, p.Ala250= (NM_001077488.5); c.702C>T, p.Ala234= (NM_001077489.4); c.*608C>T (NM_001077490.3); c.570C>T, p.Ala190= (NM_001309840.2, NM_001309861.2); c.651C>T, p.Ala217= (NM_001410912.1); c.2631C>T, p.Ala877= (NM_001410913.1); c.*653C>T (NM_016592.5); c.2676C>T, p.Ala892= (NM_080425.4); and 1 more.
Identifiers: ClinVar variation 3054064 (VCV003054064.2), dbSNP rs2517259422, ClinGen allele CA511087182.
Genomic context (GRCh38, chr20:58,909,712, plus strand): 5'-TCACGCTCTTGGCTTTGCTCTCTTTGGTTAAGATGTGACTGCCATCATCTTCGTGGTGGC[C>T]AGCAGCAGCTACAACATGGTCATCCGGGAGGACAACCAGACCAACCGCCTGCAGGAGGCT-3'
Protein context (NP_000507.1, residues 239-259): NDVTAIIFVV[Ala249=]SSSYNMVIRE

ClinVar aggregate classification (germline): Likely benign (0 of 4 stars; one submission).

Conditions:
GNAS-related disorder. Identifiers: MedGen CN380105.

Allele frequency attached by ClinVar (database versions not stated): gnomAD exomes below 0.00001.
gnomAD v4.1: 2 of 1,613,928 alleles (0.00012%); highest among the groups gnomAD compares: African/African-American, 0.0027%; no homozygotes.

Submission:

PreventionGenetics, part of Exact Sciences
Classification: Likely benign for GNAS-related condition. Last evaluated: 2023-04-07. Review status: no assertion criteria provided. Collection method: clinical testing. Allele origin: germline.
Comment: This variant is classified as likely benign based on ACMG/AMP sequence variant interpretation guidelines (Richards et al. 2015 PMID: 25741868, with internal and published modifications).